The following is an entry in ClinVar:

NM_000540.3(RYR1):c.6211_6219del (p.Arg2071_Val2073del)

Gene: RYR1 (ryanodine receptor 1; plus strand). Cytogenetic location: 19q13.2.
Variant type: Deletion.
Coding change: c.6211_6219del on transcript NM_000540.3 (MANE Select); coding-DNA positions 6211 to 6219, 9 bases deleted (CGGCTGGTG; older notation c.6211_6219delCGGCTGGTG).
Protein change: p.Arg2071_Val2073del.
Molecular consequence: inframe deletion.
Genome position (GRCh38, 1-based): chr19:38,492,573-38,492,581, CGGCTGGTG deleted; deleting any 9 consecutive bases within chr19:38,492,570-38,492,581 gives the same sequence; the c. name uses the placement nearest the transcript's 3' end. VCF-style (leftmost placement, unchanged base first): chr19-38492569-AGTGCGGCTG-A. GRCh37 (hg19) VCF-style: chr19-38983209-AGTGCGGCTG-A.
Other names: c.6211_6219del, p.Arg2071_Val2073del (NM_001042723.2).
Identifiers: ClinVar variation 3072976 (VCV003072976.1), dbSNP rs2514265059, ClinGen allele CA2825002788.

ClinVar aggregate classification (germline): Uncertain significance (1 of 4 stars; one submission).

Conditions:
Malignant hyperthermia, susceptibility to, 1 (MHS1). Also called: Anesthesia related hyperthermia; Malignant hyperpyrexia; Fulminating hyperpyrexia; Pharmacogenic myopathy; RYR1-Related Malignant Hyperthermia Susceptibility; Malignant hyperthermia suceptibility 1. Identifiers: Orphanet 423, MedGen C2930980, MONDO:0007783, OMIM 145600.

Submission:

All of Us Research Program, National Institutes of Health
Classification: Uncertain significance for Malignant hyperthermia, susceptibility to, 1. Last evaluated: 2023-08-15. Review status: criteria provided, single submitter. Criteria: ACMG Guidelines, 2015. Collection method: clinical testing. Allele origin: germline. Inheritance: Autosomal dominant inheritance. Observed: 1 variant allele, 1 heterozygote.
Comment: This variant causes the in-frame deletion of three amino acids in the RYR1 protein. To our knowledge, functional studies have not been reported for this variant. This variant has not been reported in individuals affected with RYR1-related disorders in the literature. This variant has not been identified in the general population by the Genome Aggregation Database (gnomAD). The available evidence is insufficient to determine the role of this variant in disease conclusively. Therefore, this variant is classified as a Variant of Uncertain Significance.

This study involves interpretation of variants in research participants for the purpose of population health screening. Participant phenotype was not available at the time of variant classification. Additional details can be found in publication PMID: 35346344, PMCID: PMC8962531